The following is an entry in ClinVar:

ClinVar aggregate classification (germline): Likely benign. Review status: criteria provided, multiple submitters, no conflicts (2 of 4 stars). 2 submissions from 2 submitters: Likely benign (2). Last evaluated 2025-10-08.

Conditions:
Autosomal recessive limb-girdle muscular dystrophy type 2Q (LGMDR17). Also called: MUSCULAR DYSTROPHY, LIMB-GIRDLE, AUTOSOMAL RECESSIVE 17. Identifiers: Orphanet 254361, MedGen C3150989, MONDO:0013390, OMIM 613723.
Epidermolysis bullosa simplex 5C, with pyloric atresia (EBS5C). Also called: Epidermolysis bullosa simplex with pyloric atresia; PLEC-Related Epidermolysis Bullosa with Pyloric Atresia; PLEC1-Related Epidermolysis Bullosa with Pyloric Atresia. Identifiers: Orphanet 158684, MedGen C2677349, MONDO:0012807, OMIM 612138.
Epidermolysis bullosa simplex 5B, with muscular dystrophy (EBS5B). Also called: EPIDERMOLYSIS BULLOSA SIMPLEX AND LIMB-GIRDLE MUSCULAR DYSTROPHY; Epidermolysis bullosa simplex with muscular dystrophy. Identifiers: Orphanet 257, MedGen C2931072, MONDO:0009181, OMIM 226670.
Epidermolysis bullosa simplex with nail dystrophy (EBS5D). Identifiers: MedGen C4225309, MONDO:0014661, OMIM 616487.
Epidermolysis bullosa simplex, Ogna type (EBS5A). Also called: Pidermolysis bullosa simplex 5A, Ogna type; EPIDERMOLYSIS BULLOSA SIMPLEX 5A, OGNA TYPE. Identifiers: Orphanet 79401, MedGen C0432317, MONDO:0007555, OMIM 131950.

Allele frequency attached by ClinVar (database versions not stated): gnomAD exomes below 0.00001; ExAC 0.00001; gnomAD 0.00001; TOPMed 0.00001.
gnomAD v4.1: 1 of 1,607,372 alleles (0.000062%); highest among the groups gnomAD compares: African/African-American, 0.0013%; no homozygotes.

Submissions (2):

Labcorp Genetics (formerly Invitae), Labcorp
Classification: Likely benign for Autosomal recessive limb-girdle muscular dystrophy type 2Q; Epidermolysis bullosa simplex, Ogna type; Epidermolysis bullosa simplex with nail dystrophy; Epidermolysis bullosa simplex 5C, with pyloric atresia; Epidermolysis bullosa simplex 5B, with muscular dystrophy. Last evaluated: 2025-10-08. Review status: criteria provided, single submitter. Criteria: Invitae Variant Classification Sherloc (09022015). Collection method: clinical testing. Allele origin: germline.

GeneDx
Classification: Likely benign. Last evaluated: 2017-05-16. Review status: criteria provided, single submitter. Criteria: GeneDx Variant Classification (06012015). Collection method: clinical testing. Allele origin: germline. Affected: yes.
Comment: This variant is considered likely benign or benign based on one or more of the following criteria: it is a conservative change, it occurs at a poorly conserved position in the protein, it is predicted to be benign by multiple in silico algorithms, and/or has population frequency not consistent with disease.

NM_201384.3(PLEC):c.6468C>T (p.Ala2156=)

Gene: PLEC (plectin; minus strand). Cytogenetic location: 8q24.3.
Variant type: single nucleotide variant.
Coding change: c.6468C>T on transcript NM_201384.3 (MANE Select); coding-DNA position 6468, C replaced by T.
Protein change: p.Ala2156=; no amino-acid change (alanine 2156 retained).
Molecular consequence: synonymous variant.
Genome position (GRCh38, 1-based): chr8:143,923,461, G>A on the plus strand (C>T on the coding strand, the complement: PLEC is on the minus strand). VCF-style: chr8-143923461-G-A. GRCh37 (hg19) VCF-style: chr8-144997629-G-A.
Other names: c.6549C>T, p.Ala2183= (NM_000445.5); c.6426C>T, p.Ala2142= (NM_201378.4); c.6402C>T, p.Ala2134= (NM_201379.3); c.6879C>T, p.Ala2293= (NM_201380.4); c.6372C>T, p.Ala2124= (NM_201381.3); c.6468C>T, p.Ala2156= (NM_201382.4); c.6480C>T, p.Ala2160= (NM_201383.3).
Identifiers: ClinVar variation 509536 (VCV000509536.6), dbSNP rs782284647, ClinGen allele CA4925978.
Genomic context (GRCh38, chr8:143,923,461, plus strand): 5'-CTGCTCGGCGAATTTCTTATGCTTCTCCATCTCCGCGTCAGCTGCCTGCTTCTGCCGCAG[G>A]GCCGCCTGCTCCGCCTGTGCCCGCCGCGCCGCCTCTTGCTCGGCCTCCTTGCGCAGCTTC-3'
Protein context (NP_958786.1, residues 2146-2166): AARRAQAEQA[Ala2156=]LRQKQAADAE